The following is an entry in ClinVar:

ClinVar aggregate classification (germline): Likely benign. Review status: criteria provided, multiple submitters, no conflicts (2 of 4 stars). 3 submissions from 3 submitters: Likely benign (2). 1 of the submissions does not count toward it. Last evaluated 2025-07-21.

Conditions:
PIK3CA-related disorder. Also called: PIK3CA- related disease; PIK3CA-related condition; PIK3CA-related disorders.
Cowden syndrome (CS). Also called: Cowden's disease; Cowden's syndrome; Cowden disease. Identifiers: Orphanet 201, MedGen C0018553, MONDO:0016063. Disease mechanism: gain of function.
Inborn genetic diseases. Identifiers: MedGen C0950123, MeSH D030342.

Allele frequency attached by ClinVar (database versions not stated): TOPMed 0.00023; gnomAD exomes 0.00001 and 0.00003; ExAC 0.00004; 1000 Genomes Project 30x 0.00031; gnomAD 0.00027 and 0.00029.
gnomAD v4.1: 56 of 1,593,110 alleles (0.0035%); highest among the groups gnomAD compares: African/African-American, 0.067%; no homozygotes.

Submissions (3):

Labcorp Genetics (formerly Invitae), Labcorp
Classification: Likely benign for Cowden syndrome. Last evaluated: 2025-07-21. Review status: criteria provided, single submitter. Criteria: Invitae Variant Classification Sherloc (09022015). Collection method: clinical testing. Allele origin: germline.

Ambry Genetics
Classification: Likely benign for Inborn genetic diseases. Last evaluated: 2022-03-04. Review status: criteria provided, single submitter. Criteria: Ambry Variant Classification Scheme 2023. Collection method: clinical testing. Allele origin: germline.

PreventionGenetics, part of Exact Sciences
Classification: Likely benign for PIK3CA-related condition. Last evaluated: 2019-05-02. Review status: no assertion criteria provided. Collection method: clinical testing. Allele origin: germline. Not counted in ClinVar's aggregate classification.
Comment: This variant is classified as likely benign based on ACMG/AMP sequence variant interpretation guidelines (Richards et al. 2015 PMID: 25741868, with internal and published modifications).

NM_006218.4(PIK3CA):c.1104T>C (p.Cys368=)

Gene: PIK3CA (phosphatidylinositol-4,5-bisphosphate 3-kinase catalytic subunit alpha; plus strand). Cytogenetic location: 3q26.32.
Variant type: single nucleotide variant.
Coding change: c.1104T>C on transcript NM_006218.4 (MANE Select); coding-DNA position 1104, T replaced by C.
Protein change: p.Cys368=; no amino-acid change (cysteine 368 retained).
Molecular consequence: synonymous variant.
Genome position (GRCh38, 1-based): chr3:179,204,547, T>C. VCF-style: chr3-179204547-T-C. GRCh37 (hg19) VCF-style: chr3-178922335-T-C.
Other names: c.1104T>C (NM_006218.3).
Identifiers: ClinVar variation 697093 (VCV000697093.15), dbSNP rs202162121, ClinGen allele CA2710645.
Genomic context (GRCh38, chr3:179,204,547, plus strand): 5'-TACTTTTTTCTTTTAGATCTATGTTCGAACAGGTATCTACCATGGAGGAGAACCCTTATG[T>C]GACAATGTGAACACTCAAAGAGTACCTTGTTCCAATCCCAGGTAAGGAAGTATATAGATT-3'
Protein context (NP_006209.2, residues 358-378): TGIYHGGEPL[Cys368=]DNVNTQRVPC